The following is an entry in ClinVar:

NM_004006.3(DMD):c.1098A>T (p.Gly366=)

Gene: DMD (dystrophin; minus strand). Cytogenetic location: Xp21.1.
Variant type: single nucleotide variant.
Coding change: c.1098A>T on transcript NM_004006.3 (MANE Select); coding-DNA position 1098, A replaced by T.
Protein change: p.Gly366=; no amino-acid change (glycine 366 retained).
Molecular consequence: synonymous variant.
Genome position (GRCh38, 1-based): chrX:32,645,015, T>A on the plus strand (A>T on the coding strand, the complement: DMD is on the minus strand). VCF-style: chrX-32645015-T-A. GRCh37 (hg19) VCF-style: chrX-32663132-T-A.
Other names: c.1074A>T, p.Gly358= (NM_000109.4); c.1086A>T, p.Gly362= (NM_004009.3); c.729A>T, p.Gly243= (NM_004010.3).
Identifiers: ClinVar variation 501598 (VCV000501598.15), dbSNP rs72470507, ClinGen allele CA328544802.

ClinVar aggregate classification (germline): Conflicting classifications of pathogenicity. Review status: criteria provided, conflicting classifications (1 of 4 stars). 5 submissions from 5 submitters: Likely pathogenic (3); Uncertain significance (2). Last evaluated 2025-07-25.

Conditions:
Neuromuscular disease caused by qualitative or quantitative defects of dystrophin. Also called: Qualitative or quantitative defects of dystrophin. Identifiers: Orphanet 207085, MedGen C5679787, MONDO:0016147.
Duchenne muscular dystrophy (DMD). Also called: MUSCULAR DYSTROPHY, PSEUDOHYPERTROPHIC PROGRESSIVE, DUCHENNE TYPE; Duchenne Muscular Dystrophy (DMD). Identifiers: Orphanet 98896, MedGen C0013264, MONDO:0010679, OMIM 310200.

Submissions (5):

Women's Health and Genetics/Laboratory Corporation of America, LabCorp
Classification: Likely pathogenic for Neuromuscular disease caused by qualitative or quantitative defects of dystrophin. Last evaluated: 2025-07-25. Review status: criteria provided, single submitter. Criteria: LabCorp Variant Classification Summary - May 2015. Collection method: clinical testing. Allele origin: germline.
Comment: Variant summary: DMD c.1098A>T results in a synonymous change. Several computational tools predict a significant impact on normal splicing: Four predict the variant creates a 5 donor site. At least one publication reports experimental evidence that this variant affects mRNA splicing (Zhang_2022). The variant was absent in 183381 control chromosomes (gnomAD). c.1098A>T has been reported in the literature in individuals affected with Dystrophinopathies (Mendell_2001, Buzin_2005, Flanigan_2009). These data indicate that the variant may be associated with disease. The following publications have been ascertained in the context of this evaluation (PMID: 15643612, 19937601, 26284620, 11524473, 35428841). ClinVar contains an entry for this variant (Variation ID: 501598). Based on the evidence outlined above, the variant was classified as likely pathogenic.

Mendelics
Classification: Likely pathogenic for Duchenne muscular dystrophy. Last evaluated: 2025-06-04. Review status: criteria provided, single submitter. Criteria: Mendelics Assertion Criteria 2017. Collection method: clinical testing. Allele origin: unknown.
Comment: Functional study showing that the variant leads to the creation of a new splice donor site, resulting in a frameshift: PMID 35428841 and absent in controls (GnomAD)

Labcorp Genetics (formerly Invitae), Labcorp
Classification: Likely pathogenic for Duchenne muscular dystrophy. Last evaluated: 2024-03-11. Review status: criteria provided, single submitter. Criteria: Invitae Variant Classification Sherloc (09022015). Collection method: clinical testing. Allele origin: germline.
Comment: This sequence change affects codon 366 of the DMD mRNA. It is a 'silent' change, meaning that it does not change the encoded amino acid sequence of the DMD protein. This variant is not present in population databases (gnomAD no frequency). This variant has been observed in individual(s) with DMD-related conditions (PMID: 11524473). ClinVar contains an entry for this variant (Variation ID: 501598). Studies have shown that this variant alters mRNA splicing and is expected to lead to the loss of protein expression (PMID: 35428841). In summary, the currently available evidence indicates that the variant is pathogenic, but additional data are needed to prove that conclusively. Therefore, this variant has been classified as Likely Pathogenic.

Revvity Omics, Revvity
Classification: Uncertain significance. Last evaluated: 2023-04-04. Review status: criteria provided, single submitter. Criteria: ACMG Guidelines, 2015. Collection method: clinical testing. Allele origin: germline.

Eurofins Ntd Llc (ga)
Classification: Uncertain significance. Last evaluated: 2017-05-10. Review status: criteria provided, single submitter. Criteria: EGL Classification Definitions 2015. Collection method: clinical testing. Allele origin: germline. Observed: 1 variant allele, 1 hemizygote.

Literature cited by the submitters: PubMed 19937601 (cited by Women's Health and Genetics/Laboratory Corporation of America, LabCorp); PubMed 15643612 (cited by Women's Health and Genetics/Laboratory Corporation of America, LabCorp); PubMed 26284620 (cited by Women's Health and Genetics/Laboratory Corporation of America, LabCorp); PubMed 11524473 (cited by Women's Health and Genetics/Laboratory Corporation of America, LabCorp and Labcorp Genetics (formerly Invitae), Labcorp); PubMed 35428841 (cited by 3 submitters).